The following is an entry in ClinVar:

ClinVar aggregate classification (germline): Uncertain significance (1 of 4 stars; one submission).

Conditions:
Hereditary cancer-predisposing syndrome. Also called: Tumor predisposition; Hereditary Cancer Syndrome; Hereditary neoplastic syndrome; Neoplastic Syndromes, Hereditary. Identifiers: Orphanet 140162, MedGen C0027672, MeSH D009386, MONDO:0015356.
Familial thoracic aortic aneurysm and aortic dissection (TAAD). Also called: Thoracic aortic aneurysms and dissections. Identifiers: Orphanet 91387, MedGen C4707243, MONDO:0019625.

Submission:

Ambry Genetics
Classification: Uncertain significance for Hereditary cancer-predisposing syndrome; Familial thoracic aortic aneurysm and aortic dissection. Last evaluated: 2025-10-09. Review status: criteria provided, single submitter. Criteria: Ambry Variant Classification Scheme 2023. Collection method: clinical testing. Allele origin: germline.
Comment: The p.L143H variant (also known as c.428T>A), located in coding exon 3 of the SMAD4 gene, results from a T to A substitution at nucleotide position 428. The leucine at codon 143 is replaced by histidine, an amino acid with similar properties. This amino acid position is conserved. In addition, this alteration is predicted to be deleterious by in silico analysis. Based on the available evidence, the clinical significance of this variant remains unclear.

NM_005359.6(SMAD4):c.428T>A (p.Leu143His)

Gene: SMAD4 (SMAD family member 4; plus strand). Cytogenetic location: 18q21.2.
Variant type: single nucleotide variant.
Coding change: c.428T>A on transcript NM_005359.6 (MANE Select); coding-DNA position 428, T replaced by A.
Protein change: p.Leu143His; replaces leucine 143 with histidine.
Molecular consequence: missense variant. On other transcripts: non-coding transcript variant (2).
Genome position (GRCh38, 1-based): chr18:51,049,298, T>A. VCF-style: chr18-51049298-T-A. GRCh37 (hg19) VCF-style: chr18-48575668-T-A.
Other names: c.428T>A, p.Leu143His (NM_001407041.1, NM_001407042.1, NM_001407043.1); short protein forms L143H.
Identifiers: ClinVar variation 4558904 (VCV004558904.1).
Genomic context (GRCh38, chr18:51,049,298, plus strand): 5'-AAATACTTTCATTGTAATGATTAATGTTTCATTTGTTTTCCCCTTTAAACAATTAAGATC[T>A]CTCAGGATTAACACTGCAGAGTAATGGTAGGTAATCTGTTTCTTACTACTTTCTCTTTGT-3'
Protein context (NP_005350.1, residues 133-153): YERVVSPGID[Leu143His]SGLTLQSNAP